The following is an entry in ClinVar:

ClinVar aggregate classification (germline): Uncertain significance (1 of 4 stars; one submission).

gnomAD v4.1: 2 of 1,582,662 alleles (0.00013%); highest among the groups gnomAD compares: South Asian, 0.0011%; no homozygotes.

Submission:

Ambry Genetics
Classification: Uncertain significance. Last evaluated: 2023-10-10. Review status: criteria provided, single submitter. Criteria: Ambry Variant Classification Scheme 2023. Collection method: clinical testing. Allele origin: germline.
Comment: Does not currently meet published gene-disease clinical validity criteria Based on insufficient or conflicting evidence, the clinical significance of this alteration remains unclear.

Literature cited by the submitters: PubMed 28106320.

NM_205836.3(FBXO38):c.1928A>G (p.Lys643Arg)

Gene: FBXO38 (F-box protein 38; plus strand). Cytogenetic location: 5q32.
Variant type: single nucleotide variant.
Coding change: c.1928A>G on transcript NM_205836.3 (MANE Select); coding-DNA position 1928, A replaced by G.
Protein change: p.Lys643Arg; replaces lysine 643 with arginine.
Molecular consequence: missense variant. On other transcripts: intron variant (1).
Genome position (GRCh38, 1-based): chr5:148,427,222, A>G. VCF-style: chr5-148427222-A-G. GRCh37 (hg19) VCF-style: chr5-147806785-A-G.
Other names: c.1928A>G, p.Lys643Arg (NM_030793.5); c.1918+1521A>G (NM_001271723.2); short protein forms K643R.
Identifiers: ClinVar variation 3093701 (VCV003093701.1), dbSNP rs200053204, ClinGen allele CA128949737.
Genomic context (GRCh38, chr5:148,427,222, plus strand): 5'-ATACTGAAATCTTTTCTTTTCCTCGGGCCGTTCTTCTTTTTCTATAAGCAGTAAGTGGAA[A>G]AGGCAAGACTCCACTTCGAAAGAGGTACAACTCCCATCAGATGGGCCAGTCGAAGCAGTT-3'
Protein context (NP_995308.1, residues 633-653): VQSRELSVSG[Lys643Arg]GKTPLRKRYN